The following is an entry in ClinVar:

NM_007294.4(BRCA1):c.2195A>C (p.Glu732Ala)

Gene: BRCA1 (BRCA1 DNA repair associated; minus strand). Cytogenetic location: 17q21.31.
Variant type: single nucleotide variant.
Coding change: c.2195A>C on transcript NM_007294.4 (MANE Select); coding-DNA position 2195, A replaced by C.
Protein change: p.Glu732Ala; replaces glutamic acid 732 with alanine.
Molecular consequence: missense variant. On other transcripts: intron variant (137).
Genome position (GRCh38, 1-based): chr17:43,093,336, T>G on the plus strand (A>C on the coding strand, the complement: BRCA1 is on the minus strand). VCF-style: chr17-43093336-T-G. GRCh37 (hg19) VCF-style: chr17-41245353-T-G.
Other names: c.1982A>C, p.Glu661Ala (NM_001407571.1, NM_001407853.1, NM_001407894.1 and 9 more transcripts); c.2195A>C, p.Glu732Ala (NM_001407581.1, NM_001407582.1, NM_001407583.1 and 30 more transcripts); c.2192A>C, p.Glu731Ala (NM_001407587.1, NM_001407590.1, NM_001407591.1 and 22 more transcripts); c.2186A>C, p.Glu729Ala (NM_001407646.1, NM_001407647.1); c.2072A>C, p.Glu691Ala (NM_001407648.1, NM_001407664.1, NM_001407665.1 and 19 more transcripts); c.2069A>C, p.Glu690Ala (NM_001407649.1, NM_001407670.1, NM_001407671.1 and 11 more transcripts); c.2117A>C, p.Glu706Ala (NM_001407653.1, NM_001407654.1, NM_001407655.1 and 4 more transcripts); c.2114A>C, p.Glu705Ala (NM_001407659.1, NM_001407660.1, NM_001407661.1 and 1 more transcripts); and 41 more; short protein forms E732A, E685A, E662A, E691A, E705A, E729A, E564A, E604A.
Identifiers: ClinVar variation 233526 (VCV000233526.8), dbSNP rs876660463, ClinGen allele CA10580630.

ClinVar aggregate classification (germline): Conflicting classifications of pathogenicity. Review status: criteria provided, conflicting classifications (1 of 4 stars). 2 submissions from 2 submitters: Uncertain significance (1); Likely benign (1). Last evaluated 2023-03-23.

Conditions:
Hereditary cancer-predisposing syndrome. Also called: Neoplastic Syndromes, Hereditary; Tumor predisposition; Hereditary Cancer Syndrome; Hereditary neoplastic syndrome. Identifiers: Orphanet 140162, MedGen C0027672, MeSH D009386, MONDO:0015356.

Allele frequency attached by ClinVar (database versions not stated): TOPMed below 0.00001; gnomAD 0.00001.
gnomAD v4.1: 1 of 1,613,392 alleles (0.000062%); highest among the groups gnomAD compares: African/African-American, 0.0013%; no homozygotes.

Submissions (2):

University of Washington Department of Laboratory Medicine, University of Washington
Classification: Likely benign for Hereditary cancer-predisposing syndrome. Last evaluated: 2023-03-23. Review status: criteria provided, single submitter. Criteria: Dines et al. (Genet Med. 2020). Collection method: curation. Allele origin: germline.
Comment: Missense variant in a coldspot region where missense variants are very unlikely to be pathogenic (PMID:31911673).

BRCA1 coldspot (exon 11 using historical exon numbering). Reclassification based on statistical prior probability

Ambry Genetics
Classification: Uncertain significance for Hereditary cancer-predisposing syndrome. Last evaluated: 2015-08-18. Review status: criteria provided, single submitter. Criteria: Ambry Variant Classification Scheme 2023. Collection method: clinical testing. Allele origin: germline.
Comment: The p.E732A variant (also known as c.2195A>C or 2314A>C), located in coding exon 9 of the BRCA1 gene, results from an A to C substitution at nucleotide position 2195. The glutamic acid at codon 732 is replaced by alanine, an amino acid with dissimilar properties. This variant was not reported in population based cohorts in the following databases: Database of Single Nucleotide Polymorphisms (dbSNP), NHLBI Exome Sequencing Project (ESP), and 1000 Genomes Project. In the ESP, this variant was not observed in 6503 samples (13006 alleles) with coverage at this position. To date, this alteration has been detected with an allele frequency of approximately 0.001% (greater than 150000 alleles tested) in our clinical cohort. Based on protein sequence alignment, this amino acid position is not well conserved in available vertebrate species. In addition, the in silico prediction for this alteration is inconclusive. Since supporting evidence is limited at this time, the clinical significance of p.E732A remains unclear.